The following is an entry in ClinVar:

NM_000368.5(TSC1):c.572T>A (p.Leu191His)

Gene: TSC1 (TSC complex subunit 1; minus strand). Cytogenetic location: 9q34.13.
Variant type: single nucleotide variant.
Coding change: c.572T>A on transcript NM_000368.5 (MANE Select); coding-DNA position 572, T replaced by A.
Protein change: p.Leu191His; replaces leucine 191 with histidine.
Molecular consequence: missense variant.
Genome position (GRCh38, 1-based): chr9:132,921,910, A>T on the plus strand (T>A on the coding strand, the complement: TSC1 is on the minus strand). VCF-style: chr9-132921910-A-T. GRCh37 (hg19) VCF-style: chr9-135797297-A-T.
Other names: c.572T>A, p.Leu191His (NM_001162426.2); c.419T>A, p.Leu140His (NM_001162427.2); c.209T>A, p.Leu70His (NM_001362177.2); short protein forms L191H, L140H, L70H.
Identifiers: ClinVar variation 49060 (VCV000049060.7), dbSNP rs118203403, ClinGen allele CA007782.
Genomic context (GRCh38, chr9:132,921,910, plus strand): 5'-TCTTTCATACTGTAATGAGAACGCAAAAAGGAGACGAAGTTGCAAGGGTACATTCCATAA[A>T]GGCGATGAAAGAGTGCGTACACACTGGCATGGAGATGGACGAGATAGACTTCCGCCACGT-3'
Protein context (NP_000359.1, residues 181-201): HASVYALFHR[Leu191His]YGMYPCNFVS

ClinVar aggregate classification (germline): Pathogenic/Likely pathogenic. Review status: criteria provided, multiple submitters, no conflicts (2 of 4 stars). 3 submissions from 3 submitters: Pathogenic (1); Likely pathogenic (1). 1 of the submissions does not count toward it. Last evaluated 2025-08-18.

Conditions:
Tuberous sclerosis syndrome (TSC). Also called: Tuberous Sclerosis Complex; Tuberous sclerosis. Identifiers: Orphanet 805, MedGen C0041341, MONDO:0001734.
Hereditary cancer-predisposing syndrome. Also called: Neoplastic Syndromes, Hereditary; Tumor predisposition; Hereditary Cancer Syndrome; Hereditary neoplastic syndrome. Identifiers: Orphanet 140162, MedGen C0027672, MeSH D009386, MONDO:0015356.
Tuberous sclerosis 1 (TSC1). Identifiers: Orphanet 805, MedGen C1854465, MONDO:0008612, OMIM 191100.

Submissions (3):

Labcorp Genetics (formerly Invitae), Labcorp
Classification: Pathogenic for Tuberous sclerosis 1. Last evaluated: 2025-08-18. Review status: criteria provided, single submitter. Criteria: Invitae Variant Classification Sherloc (09022015). Collection method: clinical testing. Allele origin: germline.
Comment: This sequence change replaces leucine, which is neutral and non-polar, with histidine, which is basic and polar, at codon 191 of the TSC1 protein (p.Leu191His). This variant is not present in population databases (gnomAD no frequency). This missense change has been observed in individual(s) with tuberous sclerosis complex (PMID: 10227394, 18830229, 35918040). In at least one individual the variant was observed to be de novo. ClinVar contains an entry for this variant (Variation ID: 49060). Invitae Evidence Modeling of protein sequence and biophysical properties (such as structural, functional, and spatial information, amino acid conservation, physicochemical variation, residue mobility, and thermodynamic stability) has been performed for this missense variant. However, the output from this modeling did not meet the statistical confidence thresholds required to predict the impact of this variant on TSC1 protein function. Experimental studies have shown that this missense change affects TSC1 function (PMID: 21309039). For these reasons, this variant has been classified as Pathogenic.

Ambry Genetics
Classification: Likely pathogenic for Hereditary cancer-predisposing syndrome. Last evaluated: 2025-04-30. Review status: criteria provided, single submitter. Criteria: Ambry Variant Classification Scheme 2023. Collection method: clinical testing. Allele origin: germline.
Comment: The p.L191H variant (also known as c.572T>A), located in coding exon 5 of the TSC1 gene, results from a T to A substitution at nucleotide position 572. The leucine at codon 191 is replaced by histidine, an amino acid with similar properties. This variant was reported in individual(s) with features consistent with tuberous sclerosis complex (TSC); in at least one individual, it was determined to be de novo (van Slegtenhorst M et al. J Med Genet, 1999 Apr;36:285-9; Nellist M et al. Eur J Hum Genet, 2009 Mar;17:319-28; Ng SY et al. Eur J Med Genet, 2022 Oct;65:104573). This amino acid position is highly conserved in available vertebrate species. In addition, this alteration is predicted to be deleterious by in silico analysis. This variant is considered to be rare based on population cohorts in the Genome Aggregation Database (gnomAD). Based on the majority of available evidence to date, this variant is likely to be pathogenic.

Tuberous sclerosis database (TSC1)
No classification provided. Condition: TSC. Review status: no classification provided. Criteria: Tuberous Sclerosis Database Assertion Criteria 2015. Collection method: curation. Allele origin: germline. Affected: yes. Not counted in ClinVar's aggregate classification.

Literature cited by the submitters: PubMed 10227394 (cited by Labcorp Genetics (formerly Invitae), Labcorp and Ambry Genetics); PubMed 18830229 (cited by Labcorp Genetics (formerly Invitae), Labcorp and Ambry Genetics); PubMed 35918040 (cited by Labcorp Genetics (formerly Invitae), Labcorp and Ambry Genetics); PubMed 21309039 (cited by Labcorp Genetics (formerly Invitae), Labcorp and Ambry Genetics).